The following is an entry in ClinVar:

ClinVar aggregate classification (germline): Uncertain significance (1 of 4 stars; one submission).

Conditions:
Hereditary cancer-predisposing syndrome. Also called: Neoplastic Syndromes, Hereditary; Tumor predisposition; Hereditary Cancer Syndrome; Hereditary neoplastic syndrome. Identifiers: Orphanet 140162, MedGen C0027672, MeSH D009386, MONDO:0015356.

Submission:

Ambry Genetics
Classification: Uncertain significance for Hereditary cancer-predisposing syndrome. Last evaluated: 2026-04-23. Review status: criteria provided, single submitter. Criteria: Ambry Variant Classification Scheme 2023. Collection method: clinical testing. Allele origin: germline.
Comment: The p.C83Y variant (also known as c.248G>A), located in coding exon 3 of the BARD1 gene, results from a G to A substitution at nucleotide position 248. The cysteine at codon 83 is replaced by tyrosine, an amino acid with highly dissimilar properties. This amino acid position is highly conserved in available vertebrate species. In addition, this alteration is predicted to be deleterious by in silico analysis. Based on the available evidence, the clinical significance of this variant remains unclear.

NM_000465.4(BARD1):c.248G>A (p.Cys83Tyr)

Gene: BARD1 (BRCA1 associated RING domain 1; minus strand). Cytogenetic location: 2q35.
Variant type: single nucleotide variant.
Coding change: c.248G>A on transcript NM_000465.4 (MANE Select); coding-DNA position 248, G replaced by A.
Protein change: p.Cys83Tyr; replaces cysteine 83 with tyrosine.
Molecular consequence: missense variant. On other transcripts: non-coding transcript variant (1), intron variant (2).
Genome position (GRCh38, 1-based): chr2:214,792,413, C>T on the plus strand (G>A on the coding strand, the complement: BARD1 is on the minus strand). VCF-style: chr2-214792413-C-T. GRCh37 (hg19) VCF-style: chr2-215657137-C-T.
Other names: c.191G>A, p.Cys64Tyr (NM_001282543.2); c.248G>A, p.Cys83Tyr (NM_001282549.2); c.158+16999G>A (NM_001282548.2); c.215+4648G>A (NM_001282545.2); short protein forms C64Y, C83Y.
Identifiers: ClinVar variation 4867377 (VCV004867377.1).